The following is an entry in ClinVar:

NM_001134407.3(GRIN2A):c.859A>G (p.Ser287Gly)

Gene: GRIN2A (glutamate ionotropic receptor NMDA type subunit 2A; minus strand). Cytogenetic location: 16p13.2.
Variant type: single nucleotide variant.
Coding change: c.859A>G on transcript NM_001134407.3 (MANE Select); coding-DNA position 859, A replaced by G.
Protein change: p.Ser287Gly; replaces serine 287 with glycine.
Molecular consequence: missense variant.
Genome position (GRCh38, 1-based): chr16:9,938,107, T>C on the plus strand (A>G on the coding strand, the complement: GRIN2A is on the minus strand). VCF-style: chr16-9938107-T-C. GRCh37 (hg19) VCF-style: chr16-10031964-T-C.
Other names: c.859A>G, p.Ser287Gly (NM_000833.5, NM_001134408.2); short protein forms S287G.
Identifiers: ClinVar variation 432985 (VCV000432985.8), dbSNP rs1555455615, ClinGen allele CA394798339.

ClinVar aggregate classification (germline): Uncertain significance. Review status: criteria provided, multiple submitters, no conflicts (2 of 4 stars). 2 submissions from 2 submitters: Uncertain significance (2). Last evaluated 2021-10-02.

Conditions:
Landau-Kleffner syndrome (FESD). Also called: EPILEPSY, FOCAL, WITH SPEECH DISORDER AND WITH OR WITHOUT MENTAL RETARDATION; APHASIA, ACQUIRED, WITH EPILEPSY. Identifiers: Orphanet 1945, Orphanet 725, Orphanet 98818, MedGen C0282512, MONDO:0009509, OMIM 245570.

gnomAD v4.1: 1 of 1,614,080 alleles (0.000062%); highest among the groups gnomAD compares: Admixed American, 0.0017%; no homozygotes.

Submissions (2):

Labcorp Genetics (formerly Invitae), Labcorp
Classification: Uncertain significance for Landau-Kleffner syndrome. Last evaluated: 2021-10-02. Review status: criteria provided, single submitter. Criteria: Invitae Variant Classification Sherloc (09022015). Collection method: clinical testing. Allele origin: germline.
Comment: This sequence change replaces serine with glycine at codon 287 of the GRIN2A protein (p.Ser287Gly). The serine residue is moderately conserved and there is a small physicochemical difference between serine and glycine. This variant is not present in population databases (ExAC no frequency). In summary, the available evidence is currently insufficient to determine the role of this variant in disease. Therefore, it has been classified as a Variant of Uncertain Significance. Advanced modeling of protein sequence and biophysical properties (such as structural, functional, and spatial information, amino acid conservation, physicochemical variation, residue mobility, and thermodynamic stability) performed at Invitae indicates that this missense variant is not expected to disrupt GRIN2A protein function. ClinVar contains an entry for this variant (Variation ID: 432985). This variant has not been reported in the literature in individuals affected with GRIN2A-related conditions.

GeneDx
Classification: Uncertain significance. Last evaluated: 2017-06-28. Review status: criteria provided, single submitter. Criteria: GeneDx Variant Classification (06012015). Collection method: clinical testing. Allele origin: germline. Affected: yes.
Comment: A variant of uncertain significance has been identified in the GRIN2A gene. The S287G variant has not been published as a pathogenic variant, nor has it been reported as a benign variant to our knowledge. The S287G variant is not observed in large population cohorts (Lek et al., 2016; 1000 Genomes Consortium et al., 2015; Exome Variant Server). The S287G variant is a non-conservative amino acid substitution, which is likely to impact secondary protein structure as these residues differ in polarity, charge, size and/or other properties. This substitution occurs at a position that is conserved in mammals. In silico analysis is inconsistent in its predictions as to whether or not the variant is damaging to the protein structure/function. Based on the currently available information, it is unclear whether this variant is a pathogenic variant or a rare benign variant.